The following is an entry in ClinVar:

ClinVar aggregate classification (germline): Uncertain significance. Review status: criteria provided, multiple submitters, no conflicts (2 of 4 stars). 3 submissions from 3 submitters: Uncertain significance (3). Last evaluated 2025-04-16.

Conditions:
Inborn genetic diseases. Identifiers: MedGen C0950123, MeSH D030342.
Bartter disease type 1. Also called: HYPOKALEMIC ALKALOSIS WITH HYPERCALCIURIA 1, ANTENATAL; HYPERPROSTAGLANDIN E SYNDROME 1; Bartter Syndrome type 1; Bartter syndrome, type 1, antenatal. Identifiers: Orphanet 112, Orphanet 620217, MedGen C1866495, MONDO:0100344, OMIM 601678, MONDO:0011127.

Allele frequency attached by ClinVar (database versions not stated): gnomAD exomes 0.00003 and 0.00011; TOPMed 0.00003; gnomAD 0.00004; ExAC 0.00010.
gnomAD v4.1: 50 of 1,593,726 alleles (0.0031%); highest among the groups gnomAD compares: Admixed American, 0.054%; no homozygotes.

Submissions (3):

Ambry Genetics
Classification: Uncertain significance for Inborn genetic diseases. Last evaluated: 2025-04-16. Review status: criteria provided, single submitter. Criteria: Ambry Variant Classification Scheme 2023. Collection method: clinical testing. Allele origin: germline.

Fulgent Genetics
Classification: Uncertain significance for Bartter disease type 1. Last evaluated: 2024-03-20. Review status: criteria provided, single submitter. Criteria: ACMG Guidelines, 2015. Collection method: clinical testing. Allele origin: germline.

Labcorp Genetics (formerly Invitae), Labcorp
Classification: Uncertain significance. Last evaluated: 2021-08-28. Review status: criteria provided, single submitter. Criteria: Invitae Variant Classification Sherloc (09022015). Collection method: clinical testing. Allele origin: germline.
Comment: This sequence change replaces leucine with phenylalanine at codon 132 of the SLC12A1 protein (p.Leu132Phe). The leucine residue is weakly conserved and there is a small physicochemical difference between leucine and phenylalanine. This variant is present in population databases (rs752324675, ExAC 0.1%). This variant has not been reported in the literature in individuals affected with SLC12A1-related conditions. Algorithms developed to predict the effect of missense changes on protein structure and function (SIFT, PolyPhen-2, Align-GVGD) all suggest that this variant is likely to be tolerated. In summary, the available evidence is currently insufficient to determine the role of this variant in disease. Therefore, it has been classified as a Variant of Uncertain Significance.

NM_000338.3(SLC12A1):c.394C>T (p.Leu132Phe)

Gene: SLC12A1 (solute carrier family 12 member 1; plus strand). Cytogenetic location: 15q21.1.
Variant type: single nucleotide variant.
Coding change: c.394C>T on transcript NM_000338.3 (MANE Select); coding-DNA position 394, C replaced by T.
Protein change: p.Leu132Phe; replaces leucine 132 with phenylalanine.
Molecular consequence: missense variant.
Genome position (GRCh38, 1-based): chr15:48,208,113, C>T. VCF-style: chr15-48208113-C-T. GRCh37 (hg19) VCF-style: chr15-48500310-C-T.
Other names: c.394C>T, p.Leu132Phe (NM_001184832.2, NM_001384136.1); c.394C>T (NM_000338.2); short protein forms L132F.
Identifiers: ClinVar variation 1475377 (VCV001475377.8), dbSNP rs752324675, ClinGen allele CA7546740.
Genomic context (GRCh38, chr15:48,208,113, plus strand): 5'-ATAGAGTACTATCGTAACACCGGCAGCATCAGTGGGCCCAAGGTCAACCGACCCAGCCTG[C>T]TTGAGATTCACGAGCAACTCGCAAAGGTAAGCTTGAAGGACACAAGCAAGTCTCCTCCCT-3'
Protein context (NP_000329.2, residues 122-142): SGPKVNRPSL[Leu132Phe]EIHEQLAKNV